The following is an entry in ClinVar:

NM_000071.3(CBS):c.817C>T (p.Pro273Ser)

Gene: CBS (cystathionine beta-synthase; minus strand). Cytogenetic location: 21q22.3.
Variant type: single nucleotide variant.
Coding change: c.817C>T on transcript NM_000071.3 (MANE Select); coding-DNA position 817, C replaced by T.
Protein change: p.Pro273Ser; replaces proline 273 with serine.
Molecular consequence: missense variant.
Genome position (GRCh38, 1-based): chr21:43,063,911, G>A on the plus strand (C>T on the coding strand, the complement: CBS is on the minus strand). VCF-style: chr21-43063911-G-A. GRCh37 (hg19) VCF-style: chr21-44484021-G-A.
Other names: c.817C>T, p.Pro273Ser (NM_001178008.3, NM_001178009.3, NM_001320298.2); c.502C>T, p.Pro168Ser (NM_001321072.1); short protein forms P273S, P168S.
Identifiers: ClinVar variation 1431123 (VCV001431123.6), dbSNP rs2146374921, ClinGen allele CA410600228.
Genomic context (GRCh38, chr21:43,063,911, plus strand): 5'-GCCGGGGCCACTCCGCACTGCCCCTCTCCGGCCCGGCCACACCACTCACCCTGCATCCAG[G>A]ACACTTCTCCTTCAGCTTCCTGGCAATGCCCGTGATGGTGCCGCCCGTGCCCACTGAAGC-3'
Protein context (NP_000062.1, residues 263-283): GIARKLKEKC[Pro273Ser]GCRIIGVDPE

ClinVar aggregate classification (germline): Uncertain significance (1 of 4 stars; one submission).

Conditions:
HYPERHOMOCYSTEINEMIA, THROMBOTIC, CBS-RELATED. Identifiers: MedGen C3150344, OMIM 236200.

Submission:

Labcorp Genetics (formerly Invitae), Labcorp
Classification: Uncertain significance for HYPERHOMOCYSTEINEMIA, THROMBOTIC, CBS-RELATED. Last evaluated: 2021-03-08. Review status: criteria provided, single submitter. Criteria: Invitae Variant Classification Sherloc (09022015). Collection method: clinical testing. Allele origin: germline.
Comment: This variant has not been reported in the literature in individuals with CBS-related conditions. In summary, the available evidence is currently insufficient to determine the role of this variant in disease. Therefore, it has been classified as a Variant of Uncertain Significance. Algorithms developed to predict the effect of missense changes on protein structure and function are either unavailable or do not agree on the potential impact of this missense change (SIFT: "Tolerated"; PolyPhen-2: "Probably Damaging"; Align-GVGD: "Class C0"). This variant is not present in population databases (ExAC no frequency). This sequence change replaces proline with serine at codon 273 of the CBS protein (p.Pro273Ser). The proline residue is moderately conserved and there is a moderate physicochemical difference between proline and serine.